The following is an entry in ClinVar:

ClinVar aggregate classification (germline): Uncertain significance (1 of 4 stars; one submission).

Allele frequency attached by ClinVar (database versions not stated): gnomAD exomes below 0.00001; ExAC 0.00001; gnomAD 0.00003 and 0.00004; TOPMed 0.00003.
gnomAD v4.1: 9 of 1,612,496 alleles (0.00056%); highest among the groups gnomAD compares: Admixed American, 0.005%; no homozygotes.

Submission:

Labcorp Genetics (formerly Invitae), Labcorp
Classification: Uncertain significance. Last evaluated: 2022-10-13. Review status: criteria provided, single submitter. Criteria: Invitae Variant Classification Sherloc (09022015). Collection method: clinical testing. Allele origin: germline.
Comment: This sequence change replaces lysine, which is basic and polar, with glutamic acid, which is acidic and polar, at codon 224 of the DGAT1 protein (p.Lys224Glu). This variant is present in population databases (rs782500416, gnomAD 0.003%). This variant has not been reported in the literature in individuals affected with DGAT1-related conditions. ClinVar contains an entry for this variant (Variation ID: 1449893). Advanced modeling of protein sequence and biophysical properties (such as structural, functional, and spatial information, amino acid conservation, physicochemical variation, residue mobility, and thermodynamic stability) performed at Invitae indicates that this missense variant is not expected to disrupt DGAT1 protein function. In summary, the available evidence is currently insufficient to determine the role of this variant in disease. Therefore, it has been classified as a Variant of Uncertain Significance.

NM_012079.6(DGAT1):c.670A>G (p.Lys224Glu)

Gene: DGAT1 (diacylglycerol O-acyltransferase 1; minus strand). Cytogenetic location: 8q24.3.
Variant type: single nucleotide variant.
Coding change: c.670A>G on transcript NM_012079.6 (MANE Select); coding-DNA position 670, A replaced by G.
Protein change: p.Lys224Glu; replaces lysine 224 with glutamic acid.
Molecular consequence: missense variant.
Genome position (GRCh38, 1-based): chr8:144,318,267, T>C on the plus strand (A>G on the coding strand, the complement: DGAT1 is on the minus strand). VCF-style: chr8-144318267-T-C. GRCh37 (hg19) VCF-style: chr8-145541930-T-C.
Other names: short protein forms K224E.
Identifiers: ClinVar variation 1449893 (VCV001449893.3), dbSNP rs782500416, ClinGen allele CA4936928.